The following is an entry in ClinVar:

NM_001134831.2(AHI1):c.2765-9T>C

Gene: AHI1 (Abelson helper integration site 1; minus strand). Cytogenetic location: 6q23.3.
Variant type: single nucleotide variant.
Coding change: c.2765-9T>C on transcript NM_001134831.2 (MANE Select); 9 bases into the intron before coding-DNA position 2765, T replaced by C.
Molecular consequence: intron variant.
Genome position (GRCh38, 1-based): chr6:135,411,553, A>G on the plus strand (T>C on the coding strand, the complement: AHI1 is on the minus strand). VCF-style: chr6-135411553-A-G. GRCh37 (hg19) VCF-style: chr6-135732691-A-G.
Other names: c.2765-9T>C (NM_001134830.2, NM_001350503.2, NM_017651.5 and 2 more transcripts).
Identifiers: ClinVar variation 355500 (VCV000355500.17), dbSNP rs374852342, ClinGen allele CA10623025.

ClinVar aggregate classification (germline): Conflicting classifications of pathogenicity. Review status: criteria provided, conflicting classifications (1 of 4 stars). 3 submissions from 3 submitters: Uncertain significance (1); Likely benign (1). 1 of the submissions does not count toward it. Last evaluated 2024-02-21.

Conditions:
AHI1-related disorder. Also called: AHI1-related condition.
Joubert syndrome 3 (JBTS3). Also called: AHI1-related Ciliopathy. Identifiers: Orphanet 220493, MedGen C1837713, MONDO:0012078, OMIM 608629.
Joubert syndrome. Also called: JOUBERT-BOLTSHAUSER SYNDROME; Familial aplasia of the vermis; CEREBELLOPARENCHYMAL DISORDER IV. Identifiers: Orphanet 475, MedGen C5979921, MONDO:0018772.

Allele frequency attached by ClinVar (database versions not stated): gnomAD exomes 0.00002 and 0.00001; TOPMed 0.00003; ESP Exome Variant Server 0.00008; gnomAD 0.00001.
gnomAD v4.1: 26 of 1,552,466 alleles (0.0017%); highest among the groups gnomAD compares: Non-Finnish European, 0.0021%; no homozygotes.

Submissions (3):

Labcorp Genetics (formerly Invitae), Labcorp
Classification: Likely benign for Joubert syndrome. Last evaluated: 2024-02-21. Review status: criteria provided, single submitter. Criteria: Invitae Variant Classification Sherloc (09022015). Collection method: clinical testing. Allele origin: germline.

Illumina Laboratory Services, Illumina
Classification: Uncertain significance for Joubert syndrome 3. Last evaluated: 2018-01-12. Review status: criteria provided, single submitter. Criteria: ICSL Variant Classification Criteria 13 December 2019. Collection method: clinical testing. Allele origin: germline.

PreventionGenetics, part of Exact Sciences
Classification: Likely benign for AHI1-related condition. Last evaluated: 2024-09-10. Review status: no assertion criteria provided. Collection method: clinical testing. Allele origin: germline. Not counted in ClinVar's aggregate classification.
Comment: This variant is classified as likely benign based on ACMG/AMP sequence variant interpretation guidelines (Richards et al. 2015 PMID: 25741868, with internal and published modifications).